The following is an entry in ClinVar:

NM_001846.4(COL4A2):c.1078+10C>T

Gene: COL4A2 (collagen type IV alpha 2 chain; plus strand). Cytogenetic location: 13q34.
Variant type: single nucleotide variant.
Coding change: c.1078+10C>T on transcript NM_001846.4 (MANE Select); 10 bases into the intron after coding-DNA position 1078, C replaced by T.
Molecular consequence: intron variant.
Genome position (GRCh38, 1-based): chr13:110,446,874, C>T. VCF-style: chr13-110446874-C-T. GRCh37 (hg19) VCF-style: chr13-111099221-C-T.
Identifiers: ClinVar variation 3032650 (VCV003032650.4), dbSNP rs769805049, ClinGen allele CA7049302.
Genomic context (GRCh38, chr13:110,446,874, plus strand): 5'-CAGGGCCCCCTGGACTACCTGCCTACTCCCCTCACCCTTCCCTAGCAAAAGGTGTGTGAA[C>T]AATTTCACCTGCATAGTTCAGCATCGCATACACATTCTCTCCTGTTAGGGACACAGAGCT-3'

ClinVar aggregate classification (germline): Likely benign. Review status: criteria provided, single submitter (1 of 4 stars). 2 submissions from 2 submitters: Likely benign (1). 1 of the submissions does not count toward it. Last evaluated 2025-03-25.

Conditions:
COL4A2-related disorder. Also called: COL4A2-related disorders; COL4A2-related condition.

Allele frequency attached by ClinVar (database versions not stated): TOPMed below 0.00001; ExAC 0.00001.
gnomAD v4.1: 1 of 1,609,904 alleles (0.000062%); highest among the groups gnomAD compares: Admixed American, 0.0017%; no homozygotes.

Submissions (2):

Labcorp Genetics (formerly Invitae), Labcorp
Classification: Likely benign. Last evaluated: 2025-03-25. Review status: criteria provided, single submitter. Criteria: Invitae Variant Classification Sherloc (09022015). Collection method: clinical testing. Allele origin: germline.

PreventionGenetics, part of Exact Sciences
Classification: Likely benign for COL4A2-related condition. Last evaluated: 2020-09-08. Review status: no assertion criteria provided. Collection method: clinical testing. Allele origin: germline. Not counted in ClinVar's aggregate classification.
Comment: This variant is classified as likely benign based on ACMG/AMP sequence variant interpretation guidelines (Richards et al. 2015 PMID: 25741868, with internal and published modifications).